The following is an entry in ClinVar:

ClinVar aggregate classification (germline): Uncertain significance (1 of 4 stars; one submission).

Conditions:
Inborn genetic diseases. Identifiers: MedGen C0950123, MeSH D030342.

Allele frequency attached by ClinVar (database versions not stated): gnomAD exomes below 0.00001.
gnomAD v4.1: 1 of 1,492,622 alleles (0.000067%); highest among the groups gnomAD compares: Non-Finnish European, 0.000089%; no homozygotes.

Submission:

Ambry Genetics
Classification: Uncertain significance for Inborn genetic diseases. Last evaluated: 2019-09-17. Review status: criteria provided, single submitter. Criteria: Ambry Variant Classification Scheme 2023. Collection method: clinical testing. Allele origin: germline.
Comment: The c.79+5G>A intronic variant results from a G to A substitution 5 nucleotides after coding exon 1 in the FANCA gene. This nucleotide position is highly conserved in available vertebrate species. Using the BDGP and ESEfinder splice site prediction tools, this alteration is predicted to weaken the efficiency of the native splice donor site; however, direct evidence is unavailable. Since supporting evidence is limited at this time, the clinical significance of this alteration remains unclear.

NM_000135.4(FANCA):c.79+5G>A

Genes: FANCA (FA complementation group A; minus strand), LOC112486223 (Sharpr-MPRA regulatory region 3988; plus strand). Cytogenetic location: 16q24.3.
Variant type: single nucleotide variant.
Coding change: c.79+5G>A on transcript NM_000135.4 (MANE Select); 5 bases into the intron after coding-DNA position 79, G replaced by A.
Molecular consequence: intron variant.
Genome position (GRCh38, 1-based): chr16:89,816,532, C>T on the plus strand (G>A on the coding strand, the complement: FANCA is on the minus strand). VCF-style: chr16-89816532-C-T. GRCh37 (hg19) VCF-style: chr16-89882940-C-T.
Other names: c.79+5G>A (NM_001286167.3, NM_001351830.2, NM_001018112.3).
Identifiers: ClinVar variation 1761140 (VCV001761140.2), dbSNP rs2544394539, ClinGen allele CA2580092331.